The following is an entry in ClinVar:

NM_018942.3(HMX1):c.94G>T (p.Ala32Ser)

Gene: HMX1 (H6 family homeobox 1; minus strand). Cytogenetic location: 4p16.1.
Variant type: single nucleotide variant.
Coding change: c.94G>T on transcript NM_018942.3 (MANE Select); coding-DNA position 94, G replaced by T.
Protein change: p.Ala32Ser; replaces alanine 32 with serine.
Molecular consequence: missense variant.
Genome position (GRCh38, 1-based): chr4:8,871,521, C>A on the plus strand (G>T on the coding strand, the complement: HMX1 is on the minus strand). VCF-style: chr4-8871521-C-A. GRCh37 (hg19) VCF-style: chr4-8873247-C-A.
Other names: c.94G>T, p.Ala32Ser (NM_001306142.2); c.94G>T (NM_018942.2); short protein forms A32S.
Identifiers: ClinVar variation 1113465 (VCV001113465.12), dbSNP rs760646462, ClinGen allele CA2854324.

ClinVar aggregate classification (germline): Likely benign. Review status: criteria provided, multiple submitters, no conflicts (2 of 4 stars). 3 submissions from 3 submitters: Likely benign (2). 1 of the submissions does not count toward it. Last evaluated 2026-01-04.

Conditions:
HMX1-related disorder. Also called: HMX1-related condition.

Allele frequency attached by ClinVar (database versions not stated): gnomAD 0.00010 and 0.00012; TOPMed 0.00014; gnomAD exomes 0.00071; ExAC 0.00089.

Submissions (3):

Labcorp Genetics (formerly Invitae), Labcorp
Classification: Likely benign. Last evaluated: 2026-01-04. Review status: criteria provided, single submitter. Criteria: Invitae Variant Classification Sherloc (09022015). Collection method: clinical testing. Allele origin: germline.

Blueprint Genetics
Classification: Likely benign. Last evaluated: 2024-09-19. Review status: criteria provided, single submitter. Criteria: ACMG Guidelines, 2015. Collection method: clinical testing. Allele origin: germline.

PreventionGenetics, part of Exact Sciences
Classification: Likely benign for HMX1-related condition. Last evaluated: 2019-08-05. Review status: no assertion criteria provided. Collection method: clinical testing. Allele origin: germline. Not counted in ClinVar's aggregate classification.
Comment: This variant is classified as likely benign based on ACMG/AMP sequence variant interpretation guidelines (Richards et al. 2015 PMID: 25741868, with internal and published modifications).